The following is an entry in ClinVar:

ClinVar aggregate classification (germline): Uncertain significance (1 of 4 stars; one submission).

Conditions:
Curry-Hall syndrome (WAD). Also called: WEYERS ACRODENTAL DYSOSTOSIS. Identifiers: Orphanet 952, MedGen C0457013, MONDO:0008673, OMIM 193530.
Ellis-van Creveld syndrome (EVC). Also called: EVC2-Related Ellis-van Creveld Syndrome; EVC-Related Ellis-van Creveld Syndrome; Chondroectodermal dysplasia; MESOECTODERMAL DYSPLASIA. Identifiers: Orphanet 289, MedGen C0013903, MONDO:0009162, OMIM 225500.

Allele frequency attached by ClinVar (database versions not stated): TOPMed 0.00001; gnomAD exomes 0.00002.

Submission:

Labcorp Genetics (formerly Invitae), Labcorp
Classification: Uncertain significance for Curry-Hall syndrome; Ellis-van Creveld syndrome. Last evaluated: 2022-09-18. Review status: criteria provided, single submitter. Criteria: Invitae Variant Classification Sherloc (09022015). Collection method: clinical testing. Allele origin: germline.
Comment: This sequence change replaces valine, which is neutral and non-polar, with isoleucine, which is neutral and non-polar, at codon 1146 of the EVC2 protein (p.Val1146Ile). The frequency data for this variant in the population databases is considered unreliable, as metrics indicate poor data quality at this position in the gnomAD database. This variant has not been reported in the literature in individuals affected with EVC2-related conditions. Algorithms developed to predict the effect of missense changes on protein structure and function (SIFT, PolyPhen-2, Align-GVGD) all suggest that this variant is likely to be tolerated. In summary, the available evidence is currently insufficient to determine the role of this variant in disease. Therefore, it has been classified as a Variant of Uncertain Significance.

NM_147127.5(EVC2):c.3436G>A (p.Val1146Ile)

Gene: EVC2 (EvC ciliary complex subunit 2; minus strand). Cytogenetic location: 4p16.2.
Variant type: single nucleotide variant.
Coding change: c.3436G>A on transcript NM_147127.5 (MANE Select); coding-DNA position 3436, G replaced by A.
Protein change: p.Val1146Ile; replaces valine 1146 with isoleucine.
Molecular consequence: missense variant.
Genome position (GRCh38, 1-based): chr4:5,568,565, C>T on the plus strand (G>A on the coding strand, the complement: EVC2 is on the minus strand). VCF-style: chr4-5568565-C-T. GRCh37 (hg19) VCF-style: chr4-5570292-C-T.
Other names: c.3196G>A, p.Val1066Ile (NM_001166136.2); short protein forms V1146I, V1066I.
Identifiers: ClinVar variation 2081080 (VCV002081080.1), dbSNP rs1338397099, ClinGen allele CA356149641.